The following is an entry in ClinVar:

NM_014847.4(UBAP2L):c.1788C>T (p.Ser596=)

Gene: UBAP2L (ubiquitin associated protein 2 like; plus strand). Cytogenetic location: 1q21.3.
Variant type: single nucleotide variant.
Coding change: c.1788C>T on transcript NM_014847.4 (MANE Select); coding-DNA position 1788, C replaced by T.
Protein change: p.Ser596=; no amino-acid change (serine 596 retained).
Molecular consequence: synonymous variant.
Genome position (GRCh38, 1-based): chr1:154,254,023, C>T. VCF-style: chr1-154254023-C-T. GRCh37 (hg19) VCF-style: chr1-154226499-C-T.
Other names: c.1788C>T, p.Ser596= (NM_001127320.3, NM_001375614.1, NM_001375615.1 and 14 more transcripts); c.1767C>T, p.Ser589= (NM_001287815.1); c.1821C>T, p.Ser607= (NM_001287816.1, NM_001330730.1, NM_001375612.1 and 2 more transcripts).
Identifiers: ClinVar variation 3905225 (VCV003905225.10).
Genomic context (GRCh38, chr1:154,254,023, plus strand): 5'-TCAGTCGACAACCTATACCTCCCAAAATAATGCTCAGGGCCCTCTTTATGAACAGAGATC[C>T]ACACAGACTCGGCGGTACCCCAGCTCCATCTCTTCATCACCCCAAAAGGACCTGACTCAG-3'
Protein context (NP_055662.3, residues 586-606): NAQGPLYEQR[Ser596=]TQTRRYPSSI

ClinVar aggregate classification (germline): Benign (1 of 4 stars; one submission).

gnomAD v4.1: 1,175 of 1,586,760 alleles (0.074%); highest among the groups gnomAD compares: South Asian, 1.3%; 16 homozygotes.

Submission:

CeGaT Center for Human Genetics Tuebingen
Classification: Benign. Last evaluated: 2025-10-01. Review status: criteria provided, single submitter. Criteria: CeGaT Center For Human Genetics Tuebingen Variant Classification Criteria Version 2. Collection method: clinical testing. Allele origin: germline. Affected: yes. Observed: 2 variant alleles.
Comment: UBAP2L: BP4, BP7, BS1, BS2